The following is an entry in ClinVar:

ClinVar aggregate classification (germline): Uncertain significance (1 of 4 stars; one submission).

Conditions:
Koolen-de Vries syndrome (KDVS). Identifiers: Orphanet 96169, MedGen C1864871, MONDO:0012496, OMIM 610443.

Allele frequency attached by ClinVar (database versions not stated): gnomAD exomes below 0.00001; TOPMed below 0.00001.
gnomAD v4.1: 3 of 1,611,122 alleles (0.00019%); highest among the groups gnomAD compares: African/African-American, 0.004%; no homozygotes.

Submission:

Labcorp Genetics (formerly Invitae), Labcorp
Classification: Uncertain significance for Koolen-de Vries syndrome. Last evaluated: 2026-01-28. Review status: criteria provided, single submitter. Criteria: Invitae Variant Classification Sherloc (09022015). Collection method: clinical testing. Allele origin: germline.
Comment: This sequence change replaces proline, which is neutral and non-polar, with leucine, which is neutral and non-polar, at codon 486 of the KANSL1 protein (p.Pro486Leu). This variant is not present in population databases (gnomAD no frequency). This variant has not been reported in the literature in individuals affected with KANSL1-related conditions. ClinVar contains an entry for this variant (Variation ID: 2748422). Invitae Evidence Modeling of protein sequence and biophysical properties (such as structural, functional, and spatial information, amino acid conservation, physicochemical variation, residue mobility, and thermodynamic stability) indicates that this missense variant is not expected to disrupt KANSL1 protein function with a negative predictive value of 80%. In summary, the available evidence is currently insufficient to determine the role of this variant in disease. Therefore, it has been classified as a Variant of Uncertain Significance.

NM_015443.4(KANSL1):c.1457C>T (p.Pro486Leu)

Gene: KANSL1 (KAT8 regulatory NSL complex subunit 1). Cytogenetic location: 17q21.31.
Variant type: single nucleotide variant.
Coding change: c.1457C>T on transcript NM_015443.4 (MANE Select); coding-DNA position 1457, C replaced by T.
Protein change: p.Pro486Leu; replaces proline 486 with leucine.
Molecular consequence: missense variant. On other transcripts: intron variant (4).
Genome position (GRCh38, 1-based): chr17:46,082,517, G>A on the plus strand (C>T on the coding strand, the complement: KANSL1 is on the minus strand). VCF-style: chr17-46082517-G-A. GRCh37 (hg19) VCF-style: chr17-44159883-G-A.
Other names: c.1457C>T, p.Pro486Leu (NM_001193465.2, NM_001193466.2, NM_001379198.1 and 14 more transcripts); c.191C>T, p.Pro64Leu (NM_001405882.1, NM_001405883.1, NM_001405884.1 and 1 more transcripts); c.1431+12043C>T (NM_001405881.1, NM_001405861.1, NM_001405859.1 and 1 more transcripts); short protein forms P486L, P64L.
Identifiers: ClinVar variation 2748422 (VCV002748422.3), dbSNP rs914530267, ClinGen allele CA291139487.